The following is an entry in ClinVar:

NM_012472.6(DNAAF11):c.131G>A (p.Arg44Gln)

Gene: DNAAF11 (dynein axonemal assembly factor 11; minus strand). Cytogenetic location: 8q24.22.
Variant type: single nucleotide variant.
Coding change: c.131G>A on transcript NM_012472.6 (MANE Select); coding-DNA position 131, G replaced by A.
Protein change: p.Arg44Gln; replaces arginine 44 with glutamine.
Molecular consequence: missense variant. On other transcripts: 5 prime UTR variant (4), non-coding transcript variant (7), intron variant (1).
Genome position (GRCh38, 1-based): chr8:132,661,507, C>T on the plus strand (G>A on the coding strand, the complement: DNAAF11 is on the minus strand). VCF-style: chr8-132661507-C-T. GRCh37 (hg19) VCF-style: chr8-133673753-C-T.
Other names: c.131G>A, p.Arg44Gln (NM_001321961.2); c.-230G>A (NM_001321963.2, NM_001321964.2, NM_001321966.2); c.-543G>A (NM_001321965.2); c.10+13977G>A (NM_001321962.2); c.131G>A (NM_012472.5); short protein forms R44Q.
Identifiers: ClinVar variation 361905 (VCV000361905.18), dbSNP rs184555568, ClinGen allele CA4881462.
Genomic context (GRCh38, chr8:132,661,507, plus strand): 5'-TACTGAAACTTACCAATTTTCCCAATAAGATTATTTTGAAGATAGAGAATTTTTAAATCC[C>T]GGCACCATTTATCAATGTGTTCTAGTCTTTCTATTTCTTGCTGATGCAACGAGAGTTCCT-3'
Protein context (NP_036604.2, residues 34-54): ERLEHIDKWC[Arg44Gln]DLKILYLQNN

ClinVar aggregate classification (germline): Conflicting classifications of pathogenicity. Review status: criteria provided, conflicting classifications (1 of 4 stars). 4 submissions from 4 submitters: Uncertain significance (1); Benign (1); Likely benign (1). 1 of the submissions does not count toward it. Last evaluated 2026-01-02.

Conditions:
Primary ciliary dyskinesia 19. Also called: CILIARY DYSKINESIA, PRIMARY, 19, WITH OR WITHOUT SITUS INVERSUS. Identifiers: Orphanet 244, MedGen C3543826, MONDO:0013979, OMIM 614935.
DNAAF11-related disorder. Also called: DNAAF11-related condition.

Allele frequency attached by ClinVar (database versions not stated): gnomAD exomes 0.00022 and 0.00106; gnomAD 0.00033 and 0.00047; TOPMed 0.00041; ExAC 0.00108; 1000 Genomes Project 30x 0.00265; 1000 Genomes Project 0.00319.
gnomAD v4.1: 435 of 1,613,458 alleles (0.027%); highest among the groups gnomAD compares: East Asian, 0.6%; no homozygotes.

Submissions (4):

Labcorp Genetics (formerly Invitae), Labcorp
Classification: Benign for Primary ciliary dyskinesia 19. Last evaluated: 2026-01-02. Review status: criteria provided, single submitter. Criteria: Invitae Variant Classification Sherloc (09022015). Collection method: clinical testing. Allele origin: germline.

Blueprint Genetics
Classification: Uncertain significance. Last evaluated: 2024-10-22. Review status: criteria provided, single submitter. Criteria: ACMG Guidelines, 2015. Collection method: clinical testing. Allele origin: germline.

Illumina Laboratory Services, Illumina
Classification: Likely benign for Primary ciliary dyskinesia 19. Last evaluated: 2018-01-13. Review status: criteria provided, single submitter. Criteria: ICSL Variant Classification Criteria 13 December 2019. Collection method: clinical testing. Allele origin: germline.
Comment: This variant was observed in the ICSL laboratory as part of a predisposition screen in an ostensibly healthy population. It had not been previously curated by ICSL or reported in the Human Gene Mutation Database (HGMD: prior to June 1st, 2018), and was therefore a candidate for classification through an automated scoring system. Utilizing variant allele frequency, disease prevalence and penetrance estimates, and inheritance mode, an automated score was calculated to assess if this variant is too frequent to cause the disease. Based on the score and internal cut-off values, a variant classified as likely benign is not then subjected to further curation. The score for this variant resulted in a classification of likely benign for this disease.

PreventionGenetics, part of Exact Sciences
Classification: Likely benign for DNAAF11-related condition. Last evaluated: 2019-05-01. Review status: no assertion criteria provided. Collection method: clinical testing. Allele origin: germline. Not counted in ClinVar's aggregate classification.
Comment: This variant is classified as likely benign based on ACMG/AMP sequence variant interpretation guidelines (Richards et al. 2015 PMID: 25741868, with internal and published modifications).